The following is an entry in ClinVar:

NM_000426.4(LAMA2):c.8272G>A (p.Ala2758Thr)

Genes: LAMA2 (laminin subunit alpha 2; plus strand), LOC126859784 (CDK7 strongly-dependent group 2 enhancer GRCh37_chr6:129822854-129824053; plus strand). Cytogenetic location: 6q22.33.
Variant type: single nucleotide variant.
Coding change: c.8272G>A on transcript NM_000426.4 (MANE Select); coding-DNA position 8272, G replaced by A.
Protein change: p.Ala2758Thr; replaces alanine 2758 with threonine.
Molecular consequence: missense variant.
Genome position (GRCh38, 1-based): chr6:129,502,686, G>A. VCF-style: chr6-129502686-G-A. GRCh37 (hg19) VCF-style: chr6-129823831-G-A.
Other names: c.8260G>A, p.Ala2754Thr (NM_001079823.2); short protein forms A2754T, A2758T.
Identifiers: ClinVar variation 4801389 (VCV004801389.1).

ClinVar aggregate classification (germline): Uncertain significance (1 of 4 stars; one submission).

Conditions:
LAMA2-related muscular dystrophy (LAMA2-RD). Also called: Laminin alpha 2-related dystrophy. Identifiers: MedGen C5679788, MONDO:0100228.

Submission:

Labcorp Genetics (formerly Invitae), Labcorp
Classification: Uncertain significance for LAMA2-related muscular dystrophy. Last evaluated: 2025-08-16. Review status: criteria provided, single submitter. Criteria: Invitae Variant Classification Sherloc (09022015). Collection method: clinical testing. Allele origin: germline.
Comment: This sequence change replaces alanine, which is neutral and non-polar, with threonine, which is neutral and polar, at codon 2758 of the LAMA2 protein (p.Ala2758Thr). This variant is not present in population databases (gnomAD no frequency). This variant has not been reported in the literature in individuals affected with LAMA2-related conditions. Invitae Evidence Modeling of protein sequence and biophysical properties (such as structural, functional, and spatial information, amino acid conservation, physicochemical variation, residue mobility, and thermodynamic stability) indicates that this missense variant is not expected to disrupt LAMA2 protein function with a negative predictive value of 95%. In summary, the available evidence is currently insufficient to determine the role of this variant in disease. Therefore, it has been classified as a Variant of Uncertain Significance.